The following is an entry in ClinVar:

ClinVar aggregate classification (germline): Uncertain significance (1 of 4 stars; one submission).

Allele frequency attached by ClinVar (database versions not stated): gnomAD exomes 0.00001; ExAC 0.00002; TOPMed 0.00002; gnomAD 0.00003.
gnomAD v4.1: 22 of 1,612,970 alleles (0.0014%); highest among the groups gnomAD compares: Non-Finnish European, 0.0016%; no homozygotes.

Submission:

Labcorp Genetics (formerly Invitae), Labcorp
Classification: Uncertain significance. Last evaluated: 2022-06-13. Review status: criteria provided, single submitter. Criteria: Invitae Variant Classification Sherloc (09022015). Collection method: clinical testing. Allele origin: germline.
Comment: This sequence change replaces serine, which is neutral and polar, with phenylalanine, which is neutral and non-polar, at codon 93 of the CDT1 protein (p.Ser93Phe). This variant is present in population databases (rs751451179, gnomAD 0.003%). This variant has not been reported in the literature in individuals affected with CDT1-related conditions. Algorithms developed to predict the effect of missense changes on protein structure and function are either unavailable or do not agree on the potential impact of this missense change (SIFT: "Tolerated"; PolyPhen-2: "Possibly Damaging"; Align-GVGD: "Class C0"). In summary, the available evidence is currently insufficient to determine the role of this variant in disease. Therefore, it has been classified as a Variant of Uncertain Significance.

NM_030928.4(CDT1):c.278C>T (p.Ser93Phe)

Gene: CDT1 (chromatin licensing and DNA replication factor 1; plus strand). Cytogenetic location: 16q24.3.
Variant type: single nucleotide variant.
Coding change: c.278C>T on transcript NM_030928.4 (MANE Select); coding-DNA position 278, C replaced by T.
Protein change: p.Ser93Phe; replaces serine 93 with phenylalanine.
Molecular consequence: missense variant.
Genome position (GRCh38, 1-based): chr16:88,804,594, C>T. VCF-style: chr16-88804594-C-T. GRCh37 (hg19) VCF-style: chr16-88871002-C-T.
Other names: short protein forms S93F.
Identifiers: ClinVar variation 1985773 (VCV001985773.1), dbSNP rs751451179, ClinGen allele CA8233547.
Genomic context (GRCh38, chr16:88,804,594, plus strand): 5'-CCTCCCACCAGGTTTCCAGCCCCAGTACCCCCGAGGCCCCAGACATCCCAGCCTGCCCTT[C>T]TCCGGGCCAGAAGATAAAGAAATCCACCCCGGCAGCAGGTCAGCCGCCCCACCTGACATC-3'
Protein context (NP_112190.2, residues 83-103): PEAPDIPACP[Ser93Phe]PGQKIKKSTP